The following is an entry in ClinVar:

NM_017866.6(TMEM70):c.48_49del (p.Cys17fs)

Gene: TMEM70 (transmembrane protein 70; plus strand). Cytogenetic location: 8q21.11.
Variant type: Microsatellite.
Coding change: c.48_49del on transcript NM_017866.6 (MANE Select); coding-DNA positions 48 to 49, 2 bases deleted (CT; older notation c.48_49delCT).
Protein change: p.Cys17fs; shifts the reading frame from cysteine 17.
Molecular consequence: frameshift variant. On other transcripts: non-coding transcript variant (1).
Genome position (GRCh38, 1-based): chr8:73,976,329-73,976,330, CT deleted; deleting any 2 consecutive bases within chr8:73,976,325-73,976,330 gives the same sequence; the c. name uses the placement nearest the transcript's 3' end. VCF-style (leftmost placement, unchanged base first): chr8-73976324-CCT-C. GRCh37 (hg19) VCF-style: chr8-74888559-CCT-C.
Other names: c.48_49del, p.Cys17fs (NM_001040613.3); short protein forms C17fs.
Identifiers: ClinVar variation 4707290 (VCV004707290.1).

ClinVar aggregate classification (germline): Pathogenic (1 of 4 stars; one submission).

Conditions:
Mitochondrial complex V (ATP synthase) deficiency, nuclear type 2. Also called: Nuclear-Encoded ATPase Deficiency, TMEM70-Related; ENCEPHALOCARDIOMYOPATHY, MITOCHONDRIAL, NEONATAL, DUE TO ATP SYNTHASE DEFICIENCY; MITOCHONDRIAL COMPLEX V (ATP SYNTHASE) DEFICIENCY, TMEM70 TYPE. Identifiers: Orphanet 1194, MedGen C3279699, MONDO:0013546, OMIM 614052.

Submission:

Labcorp Genetics (formerly Invitae), Labcorp
Classification: Pathogenic for Mitochondrial complex V (ATP synthase) deficiency, nuclear type 2. Last evaluated: 2025-06-10. Review status: criteria provided, single submitter. Criteria: Invitae Variant Classification Sherloc (09022015). Collection method: clinical testing. Allele origin: germline.
Comment: This sequence change creates a premature translational stop signal (p.Cys17Argfs*70) in the TMEM70 gene. It is expected to result in an absent or disrupted protein product. Loss-of-function variants in TMEM70 are known to be pathogenic (PMID: 18953340, 21147908). This variant is not present in population databases (gnomAD no frequency). This variant has not been reported in the literature in individuals affected with TMEM70-related conditions. For these reasons, this variant has been classified as Pathogenic.

Literature cited by the submitters: PubMed 18953340; PubMed 21147908.